The following is an entry in ClinVar:

ClinVar aggregate classification (germline): Uncertain significance (1 of 4 stars; one submission).

Conditions:
Hereditary pancreatitis (PCTT). Also called: Hereditary chronic pancreatitis; PRSS1-Related Hereditary Pancreatitis. Identifiers: Orphanet 676, MedGen C0238339, MONDO:0008185, OMIM 167800.

Submission:

Ambry Genetics
Classification: Uncertain significance for Hereditary pancreatitis. Last evaluated: 2025-10-06. Review status: criteria provided, single submitter. Criteria: Ambry Variant Classification Scheme 2023. Collection method: clinical testing. Allele origin: germline.
Comment: The p.R95P variant (also known as c.284G>C), located in coding exon 3 of the PRSS1 gene, results from a G to C substitution at nucleotide position 284. The arginine at codon 95 is replaced by proline, an amino acid with dissimilar properties. This amino acid position is not well conserved in available vertebrate species. In addition, the in silico prediction for this alteration is inconclusive. Since supporting evidence is limited at this time, the clinical significance of this alteration remains unclear.

NM_002769.5(PRSS1):c.284G>C (p.Arg95Pro)

Genes: TRB (T cell receptor beta locus; plus strand), PRSS1 (serine protease 1; plus strand). Cytogenetic location: 7q34.
Variant type: single nucleotide variant.
Coding change: c.284G>C on transcript NM_002769.5 (MANE Select); coding-DNA position 284, G replaced by C.
Protein change: p.Arg95Pro; replaces arginine 95 with proline.
Molecular consequence: missense variant. On other transcripts: non-coding transcript variant (4).
Genome position (GRCh38, 1-based): chr7:142,751,857, G>C. VCF-style: chr7-142751857-G-C. GRCh37 (hg19) VCF-style: chr7-142459708-G-C.
Other names: short protein forms R95P.
Identifiers: ClinVar variation 1796818 (VCV001796818.3), dbSNP rs375820192, ClinGen allele CA369608658.